The following is an entry in ClinVar:

NM_003356.4(UCP3):c.852A>G (p.Gly284=)

Gene: UCP3 (uncoupling protein 3; minus strand). Cytogenetic location: 11q13.4.
Variant type: single nucleotide variant.
Coding change: c.852A>G on transcript NM_003356.4 (MANE Select); coding-DNA position 852, A replaced by G.
Protein change: p.Gly284=; no amino-acid change (glycine 284 retained).
Molecular consequence: synonymous variant.
Genome position (GRCh38, 1-based): chr11:74,001,499, T>C on the plus strand (A>G on the coding strand, the complement: UCP3 is on the minus strand). VCF-style: chr11-74001499-T-C. GRCh37 (hg19) VCF-style: chr11-73712544-T-C.
Identifiers: ClinVar variation 3030752 (VCV003030752.2), dbSNP rs777203090, ClinGen allele CA6181327.

ClinVar aggregate classification (germline): Likely benign (0 of 4 stars; one submission).

Conditions:
UCP3-related disorder. Also called: UCP3-related condition.

Allele frequency attached by ClinVar (database versions not stated): gnomAD 0.00001; ExAC 0.00002; TOPMed 0.00003; gnomAD exomes 0.00004.

Submission:

PreventionGenetics, part of Exact Sciences
Classification: Likely benign for UCP3-related condition. Last evaluated: 2021-10-06. Review status: no assertion criteria provided. Collection method: clinical testing. Allele origin: germline.
Comment: This variant is classified as likely benign based on ACMG/AMP sequence variant interpretation guidelines (Richards et al. 2015 PMID: 25741868, with internal and published modifications).